The following is an entry in ClinVar:

NM_001042492.3(NF1):c.8017C>T (p.Gln2673Ter)

Gene: NF1 (neurofibromin 1; plus strand). Cytogenetic location: 17q11.2.
Variant type: single nucleotide variant.
Coding change: c.8017C>T on transcript NM_001042492.3 (MANE Select); coding-DNA position 8017, C replaced by T.
Protein change: p.Gln2673Ter; replaces glutamine 2673 with a stop codon.
Molecular consequence: nonsense.
Genome position (GRCh38, 1-based): chr17:31,358,526, C>T. VCF-style: chr17-31358526-C-T. GRCh37 (hg19) VCF-style: chr17-29685544-C-T.
Other names: c.7954C>T, p.Gln2652Ter (NM_000267.4); short protein forms Q2673*, Q2652*.
Identifiers: ClinVar variation 582838 (VCV000582838.6), dbSNP rs1567627751, ClinGen allele CA399203685.

ClinVar aggregate classification (germline): Pathogenic. Review status: criteria provided, multiple submitters, no conflicts (2 of 4 stars). 2 submissions from 2 submitters: Pathogenic (2). Last evaluated 2025-07-25.

Conditions:
Neurofibromatosis, type 1 (NF1). Also called: NEUROFIBROMATOSIS, TYPE I, SOMATIC; VON RECKLINGHAUSEN DISEASE; Neurofibromatosis, type I; Peripheral type neurofibromatosis. Identifiers: Orphanet 636, MedGen C0027831, MONDO:0018975, OMIM 162200. Disease mechanism: loss of function.

Submissions (2):

3billion
Classification: Pathogenic for Neurofibromatosis, type 1. Last evaluated: 2025-07-25. Review status: criteria provided, single submitter. Criteria: ACMG Guidelines, 2015. Collection method: clinical testing. Allele origin: germline. Affected: yes.
Comment: The variant is not observed in the gnomAD v4.1.0 dataset. Predicted Consequence/Location: Stop-gained (nonsense): predicted to result in a loss or disruption of normal protein function through nonsense-mediated decay (NMD) or protein truncation. Multiple pathogenic variants are reported downstream of the variant. The variant has been reported to be associated with NF1-related disorder (ClinVar ID: VCV000582838). Therefore, this variant is classified as Pathogenic according to the recommendation of ACMG/AMP guideline.

Labcorp Genetics (formerly Invitae), Labcorp
Classification: Pathogenic for Neurofibromatosis, type 1. Last evaluated: 2023-12-14. Review status: criteria provided, single submitter. Criteria: Invitae Variant Classification Sherloc (09022015). Collection method: clinical testing. Allele origin: germline.
Comment: This sequence change creates a premature translational stop signal (p.Gln2652*) in the NF1 gene. It is expected to result in an absent or disrupted protein product. Loss-of-function variants in NF1 are known to be pathogenic (PMID: 10712197, 23913538). This variant is not present in population databases (gnomAD no frequency). This variant has not been reported in the literature in individuals affected with NF1-related conditions. ClinVar contains an entry for this variant (Variation ID: 582838). Algorithms developed to predict the effect of sequence changes on RNA splicing suggest that this variant may disrupt the consensus splice site. For these reasons, this variant has been classified as Pathogenic.

Literature cited by the submitters: PubMed 10712197 (cited by Labcorp Genetics (formerly Invitae), Labcorp); PubMed 23913538 (cited by Labcorp Genetics (formerly Invitae), Labcorp).